The following is an entry in ClinVar:

ClinVar aggregate classification (germline): Conflicting classifications of pathogenicity. Review status: criteria provided, conflicting classifications (1 of 4 stars). 3 submissions from 3 submitters: Pathogenic (1); Likely pathogenic (1); Uncertain significance (1). Last evaluated 2022-01-19.

Conditions:
Charcot-Marie-Tooth disease type 2. Also called: Charcot-Marie-Tooth type 2. Identifiers: Orphanet 64746, MedGen C0270914, MONDO:0018993.
Primary dilated cardiomyopathy (DCM). Also called: Dilated Cardiomyopathy. Identifiers: Orphanet 217604, MedGen C0007193, MeSH D002311, MONDO:0005021, HP:0001644. Inheritance: Various modes of inheritance.

Submissions (3):

Labcorp Genetics (formerly Invitae), Labcorp
Classification: Pathogenic for Charcot-Marie-Tooth disease type 2. Last evaluated: 2022-01-19. Review status: criteria provided, single submitter. Criteria: Invitae Variant Classification Sherloc (09022015). Collection method: clinical testing. Allele origin: germline.
Comment: This sequence change replaces leucine, which is neutral and non-polar, with proline, which is neutral and non-polar, at codon 369 of the LMNA protein (p.Leu369Pro). This variant is not present in population databases (gnomAD no frequency). This missense change has been observed in individual(s) with dilated cardiomyopathy and/or limb-girdle muscular dystrophy (PMID: 32458740, 32571898). In at least one individual the variant was observed to be de novo. ClinVar contains an entry for this variant (Variation ID: 48028). Algorithms developed to predict the effect of missense changes on protein structure and function (SIFT, PolyPhen-2, Align-GVGD) all suggest that this variant is likely to be disruptive. For these reasons, this variant has been classified as Pathogenic.

GeneDx
Classification: Uncertain significance. Last evaluated: 2015-09-02. Review status: criteria provided, single submitter. Criteria: GeneDx Variant Classification (06012015). Collection method: clinical testing. Allele origin: germline. Affected: yes.
Comment: The L369P variant was previously reported in a patient with dilated cardiomyopathy; however, segregation studies were not completed (Pugh et al., 2014). It was not observed in approximately 6,500 individuals of European and African American ancestry in the NHLBI Exome Sequencing Project, indicating it is not a common benign variant in these populations. The L369P variant is a semi-conservative amino acid substitution, which may impact secondary protein structure as these residues differ in some properties. In silico analysis predicts this variant is probably damaging to the protein structure/function. Additionally, missense variants in nearby residues have been reported in the Human Gene Mutation Database in association with LMNA-related disorders (Stenson et al., 2014), supporting the functional importance of this region of the protein. This substitution occurs at a position that is conserved across species; however, Proline has been observed in evolution. Therefore, based on the currently available information, it is unclear whether this variant is a pathogenic variant or a rare benign variant.

Laboratory for Molecular Medicine, Mass General Brigham Personalized Medicine
Classification: Likely pathogenic for Primary dilated cardiomyopathy. Last evaluated: 2011-06-02. Review status: criteria provided, single submitter. Criteria: LMM Criteria. Collection method: clinical testing. Allele origin: germline. Observed: 1 variant allele.
Comment: The Leu369Pro variant has not been reported in the literature. Parental testing revealed de novo occurrenc e, which strongly supports a pathogenic role. In addition, leucine (Leu) at pos ition 369 is conserved in evolutionary distant species and three computer tools (AlignGVGD, Polyphen2, SIFT) predict this change to be deleterious although thei r accuracy has not been clinically validated. In summary, de novo occurrence, co mputer predictions and clinical data support a pathogenic role.

Literature cited by the submitters: PubMed 32458740 (cited by Labcorp Genetics (formerly Invitae), Labcorp); PubMed 32571898 (cited by Labcorp Genetics (formerly Invitae), Labcorp).

NM_170707.4(LMNA):c.1106T>C (p.Leu369Pro)

Gene: LMNA (lamin A/C; plus strand). Cytogenetic location: 1q22.
Variant type: single nucleotide variant.
Coding change: c.1106T>C on transcript NM_170707.4 (MANE Select); coding-DNA position 1106, T replaced by C.
Protein change: p.Leu369Pro; replaces leucine 369 with proline.
Molecular consequence: missense variant.
Genome position (GRCh38, 1-based): chr1:156,136,070, T>C. VCF-style: chr1-156136070-T-C. GRCh37 (hg19) VCF-style: chr1-156105861-T-C.
Other names: c.770T>C, p.Leu257Pro (NM_001257374.3); c.863T>C, p.Leu288Pro (NM_001282624.2); c.1106T>C, p.Leu369Pro (NM_001282625.2, NM_001282626.2, NM_005572.4 and 1 more transcripts); short protein forms L369P, L288P, L257P.
Identifiers: ClinVar variation 48028 (VCV000048028.9), dbSNP rs397517886, ClinGen allele CA016599.